The following is an entry in ClinVar:

ClinVar aggregate classification (germline): Uncertain significance (1 of 4 stars; one submission).

Conditions:
Autosomal recessive severe congenital neutropenia due to CSF3R deficiency. Also called: Neutropenia, severe congenital, 7, autosomal recessive. Identifiers: Orphanet 420702, MedGen C4310764, MONDO:0014865, OMIM 617014.

Submission:

Labcorp Genetics (formerly Invitae), Labcorp
Classification: Uncertain significance for Autosomal recessive severe congenital neutropenia due to CSF3R deficiency. Last evaluated: 2024-10-29. Review status: criteria provided, single submitter. Criteria: Invitae Variant Classification Sherloc (09022015). Collection method: clinical testing. Allele origin: germline.
Comment: This sequence change replaces threonine, which is neutral and polar, with serine, which is neutral and polar, at codon 169 of the CSF3R protein (p.Thr169Ser). This variant is not present in population databases (gnomAD no frequency). This variant has not been reported in the literature in individuals affected with CSF3R-related conditions. An algorithm developed to predict the effect of missense changes on protein structure and function outputs the following: PolyPhen-2: "Benign". The serine amino acid residue is found in multiple mammalian species, which suggests that this missense change does not adversely affect protein function. In summary, the available evidence is currently insufficient to determine the role of this variant in disease. Therefore, it has been classified as a Variant of Uncertain Significance.

NM_000760.4(CSF3R):c.506C>G (p.Thr169Ser)

Gene: CSF3R (colony stimulating factor 3 receptor; minus strand). Cytogenetic location: 1p34.3.
Variant type: single nucleotide variant.
Coding change: c.506C>G on transcript NM_000760.4 (MANE Select); coding-DNA position 506, C replaced by G.
Protein change: p.Thr169Ser; replaces threonine 169 with serine.
Molecular consequence: missense variant.
Genome position (GRCh38, 1-based): chr1:36,473,602, G>C on the plus strand (C>G on the coding strand, the complement: CSF3R is on the minus strand). VCF-style: chr1-36473602-G-C. GRCh37 (hg19) VCF-style: chr1-36939203-G-C.
Other names: c.506C>G, p.Thr169Ser (NM_156039.3, NM_172313.3); short protein forms T169S.
Identifiers: ClinVar variation 2843454 (VCV002843454.3), dbSNP rs772135739, ClinGen allele CA339423875.
Genomic context (GRCh38, chr1:36,473,602, plus strand): 5'-GGGATGCAGCAGTGGCTCTGCCCGTCCTTGGGCACGCAGTCCAGGATGGAGTCCCCTTGG[G>C]TCTGACAGTTGCCCCGGCTCCTGCCAATAGTCCAGGCTTGGGTGCCAAGCAGAGGAAGAA-3'
Protein context (NP_000751.1, residues 159-179): KSFKSRGNCQ[Thr169Ser]QGDSILDCVP